The following is an entry in ClinVar:

ClinVar aggregate classification (germline): Uncertain significance (1 of 4 stars; one submission).

Conditions:
Ehlers-Danlos syndrome, classic type, 1 (EDSCL1). Also called: EHLERS-DANLOS SYNDROME, GRAVIS TYPE; EHLERS-DANLOS SYNDROME, SEVERE CLASSIC TYPE; Ehlers-Danlos syndrome, type 1; Ehlers-Danlos Syndrome, Classic Type, COL5A1-Related; EDS I. Identifiers: MedGen C0268335, MONDO:0019567, OMIM 130000.

Submission:

Labcorp Genetics (formerly Invitae), Labcorp
Classification: Uncertain significance for Ehlers-Danlos syndrome, classic type, 1. Last evaluated: 2023-05-22. Review status: criteria provided, single submitter. Criteria: Invitae Variant Classification Sherloc (09022015). Collection method: clinical testing. Allele origin: germline.
Comment: This sequence change replaces proline, which is neutral and non-polar, with serine, which is neutral and polar, at codon 756 of the COL5A1 protein (p.Pro756Ser). This variant is not present in population databases (gnomAD no frequency). This variant has not been reported in the literature in individuals affected with COL5A1-related conditions. Advanced modeling of protein sequence and biophysical properties (such as structural, functional, and spatial information, amino acid conservation, physicochemical variation, residue mobility, and thermodynamic stability) performed at Invitae indicates that this missense variant is not expected to disrupt COL5A1 protein function. In summary, the available evidence is currently insufficient to determine the role of this variant in disease. Therefore, it has been classified as a Variant of Uncertain Significance.

NM_000093.5(COL5A1):c.2266C>T (p.Pro756Ser)

Gene: COL5A1 (collagen type V alpha 1 chain; plus strand). Cytogenetic location: 9q34.3.
Variant type: single nucleotide variant.
Coding change: c.2266C>T on transcript NM_000093.5 (MANE Select); coding-DNA position 2266, C replaced by T.
Protein change: p.Pro756Ser; replaces proline 756 with serine.
Molecular consequence: missense variant.
Genome position (GRCh38, 1-based): chr9:134,768,443, C>T. VCF-style: chr9-134768443-C-T. GRCh37 (hg19) VCF-style: chr9-137660289-C-T.
Other names: c.2266C>T, p.Pro756Ser (NM_001278074.1); short protein forms P756S.
Identifiers: ClinVar variation 2838978 (VCV002838978.3), dbSNP rs2490669917, ClinGen allele CA375449478.